The following is an entry in ClinVar:

ClinVar aggregate classification (germline): Benign. Review status: criteria provided, single submitter (1 of 4 stars). 2 submissions from 2 submitters: Benign (1). 1 of the submissions does not count toward it. Last evaluated 2026-01-24.

Conditions:
RAI1-related disorder. Also called: RAI1-related condition.

Allele frequency attached by ClinVar (database versions not stated): gnomAD exomes below 0.00001; ExAC 0.00001; TOPMed 0.00001.
gnomAD v4.1: 2 of 1,613,778 alleles (0.00012%); highest among the groups gnomAD compares: Admixed American, 0.0017%; no homozygotes.

Submissions (2):

Labcorp Genetics (formerly Invitae), Labcorp
Classification: Benign. Last evaluated: 2026-01-24. Review status: criteria provided, single submitter. Criteria: Invitae Variant Classification Sherloc (09022015). Collection method: clinical testing. Allele origin: germline.

PreventionGenetics, part of Exact Sciences
Classification: Uncertain significance for RAI1-related condition. Last evaluated: 2024-03-26. Review status: no assertion criteria provided. Collection method: clinical testing. Allele origin: germline. Not counted in ClinVar's aggregate classification.
Comment: The RAI1 c.2003C>T variant is predicted to result in the amino acid substitution p.Pro668Leu. To our knowledge, this variant has not been reported in the literature. This variant is reported in 1 of ~251,000 alleles in individuals of Latino descent in gnomAD. At this time, the clinical significance of this variant is uncertain due to the absence of conclusive functional and genetic evidence.

NM_030665.4(RAI1):c.2003C>T (p.Pro668Leu)

Gene: RAI1 (retinoic acid induced 1; plus strand). Cytogenetic location: 17p11.2.
Variant type: single nucleotide variant.
Coding change: c.2003C>T on transcript NM_030665.4 (MANE Select); coding-DNA position 2003, C replaced by T.
Protein change: p.Pro668Leu; replaces proline 668 with leucine.
Molecular consequence: missense variant.
Genome position (GRCh38, 1-based): chr17:17,794,951, C>T. VCF-style: chr17-17794951-C-T. GRCh37 (hg19) VCF-style: chr17-17698265-C-T.
Other names: c.2003C>T (NM_030665.3); short protein forms P668L.
Identifiers: ClinVar variation 1367902 (VCV001367902.7), dbSNP rs750407646, ClinGen allele CA8418443.